The following is an entry in ClinVar:

ClinVar aggregate classification (germline): Likely benign. Review status: criteria provided, multiple submitters, no conflicts (2 of 4 stars). 2 submissions from 2 submitters: Likely benign (2). Last evaluated 2026-05-01.

gnomAD v4.1: 21 of 1,613,836 alleles (0.0013%); highest among the groups gnomAD compares: Admixed American, 0.012%; no homozygotes.

Submissions (2):

CeGaT Center for Human Genetics Tuebingen
Classification: Likely benign. Last evaluated: 2026-05-01. Review status: criteria provided, single submitter. Criteria: CeGaT Center For Human Genetics Tuebingen Variant Classification Criteria Version 2. Collection method: clinical testing. Allele origin: germline. Affected: yes. Observed: 1 variant allele.
Comment: ZNF280B: BP4, BP7

Ambry Genetics
Classification: Likely benign. Last evaluated: 2024-05-30. Review status: criteria provided, single submitter. Criteria: Ambry Variant Classification Scheme 2023. Collection method: clinical testing. Allele origin: germline.

NM_080764.4(ZNF280B):c.1086C>T (p.Ile362=)

Genes: IGL (immunoglobulin lambda locus; plus strand), ZNF280B (zinc finger protein 280B; minus strand). Cytogenetic location: 22q11.22.
Variant type: single nucleotide variant.
Coding change: c.1086C>T on transcript NM_080764.4 (MANE Select); coding-DNA position 1086, C replaced by T.
Protein change: p.Ile362=; no amino-acid change (isoleucine 362 retained).
Molecular consequence: synonymous variant. On other transcripts: non-coding transcript variant (1).
Genome position (GRCh38, 1-based): chr22:22,488,313, G>A on the plus strand (C>T on the coding strand, the complement: ZNF280B is on the minus strand). VCF-style: chr22-22488313-G-A. GRCh37 (hg19) VCF-style: chr22-22842638-G-A.
Identifiers: ClinVar variation 3335355 (VCV003335355.3).